The following is an entry in ClinVar:

ClinVar aggregate classification (germline): Pathogenic. Review status: criteria provided, multiple submitters, no conflicts (2 of 4 stars). 4 submissions from 4 submitters: Pathogenic (4). Last evaluated 2026-01-30.

Conditions:
Hereditary cancer-predisposing syndrome. Also called: Neoplastic Syndromes, Hereditary; Hereditary Cancer Syndrome; Tumor predisposition; Hereditary neoplastic syndrome. Identifiers: Orphanet 140162, MedGen C0027672, MeSH D009386, MONDO:0015356.
Microcephaly, normal intelligence and immunodeficiency (NBS). Also called: IMMUNODEFICIENCY, MICROCEPHALY, AND CHROMOSOMAL INSTABILITY; SEEMANOVA SYNDROME II; BERLIN BREAKAGE SYNDROME; Immunodeficiency, microcephaly with normal intelligence; Nijmegen breakage syndrome; Microcephaly with normal intelligence immunodeficiency and lymphoreticular malignancies. Identifiers: Orphanet 647, MedGen C0398791, MONDO:0009623, OMIM 251260.

Submissions (4):

Myriad Genetics, Inc.
Classification: Pathogenic for Microcephaly, normal intelligence and immunodeficiency. Last evaluated: 2026-01-30. Review status: criteria provided, single submitter. Criteria: Myriad Autosomal Dominant, Autosomal Recessive and X-Linked Classification Criteria (2023). Collection method: clinical testing. Allele origin: unknown.
Comment: NM_002485.4(NBN):c.1940delG(S647Mfs*10) is expected to be pathogenic in the context of Nijmegen breakage syndrome. This variant is predicted to lead to an abnormal or absent protein product due to the creation of a premature termination codon in NBN, a gene where loss-of-function variants are known to be pathogenic. Please note: this variant was assessed in the context of healthy population screening.

Breast Care Center, Daerim St. Mary`s Hospital
Classification: Pathogenic for Hereditary cancer-predisposing syndrome. Last evaluated: 2025-11-24. Review status: criteria provided, single submitter. Criteria: ACMG Guidelines, 2015. Collection method: clinical testing. Allele origin: germline. Inheritance: Autosomal dominant inheritance. Affected: yes. Observed: 1 heterozygote.
Comment: This c.1940delG variant, located in coding exon 13 of the NBN gene, results in a frameshift and the creation of a premature stop codon (p.Ser647Metfs*10). This alteration is predicted to lead to loss of normal protein function either through nonsense-mediated mRNA decay (NMD) or production of a truncated protein lacking essential domains. Loss-of-function is the established disease mechanism for NBN-related conditions. This variant is not reported in the gnomAD genomes and exomes database and has been previously submitted to ClinVar by reputable laboratories as pathogenic. Based on the available evidence, this variant is classified as pathogenic.

Labcorp Genetics (formerly Invitae), Labcorp
Classification: Pathogenic for Microcephaly, normal intelligence and immunodeficiency. Last evaluated: 2024-06-19. Review status: criteria provided, single submitter. Criteria: Invitae Variant Classification Sherloc (09022015). Collection method: clinical testing. Allele origin: germline.
Comment: This sequence change creates a premature translational stop signal (p.Ser647Metfs*10) in the NBN gene. It is expected to result in an absent or disrupted protein product. Loss-of-function variants in NBN are known to be pathogenic (PMID: 9590180, 16415040). This variant is not present in population databases (gnomAD no frequency). This variant has not been reported in the literature in individuals affected with NBN-related conditions. ClinVar contains an entry for this variant (Variation ID: 480040). For these reasons, this variant has been classified as Pathogenic.

Ambry Genetics
Classification: Pathogenic for Hereditary cancer-predisposing syndrome. Last evaluated: 2023-04-26. Review status: criteria provided, single submitter. Criteria: Ambry Variant Classification Scheme 2023. Collection method: clinical testing. Allele origin: germline.
Comment: The c.1940delG pathogenic mutation, located in coding exon 13 of the NBN gene, results from a deletion of one nucleotide at nucleotide position 1940, causing a translational frameshift with a predicted alternate stop codon (p.S647Mfs*10). This alteration is expected to result in loss of function by premature protein truncation or nonsense-mediated mRNA decay. As such, this alteration is interpreted as a disease-causing mutation.

Literature cited by the submitters: PubMed 9590180 (cited by Labcorp Genetics (formerly Invitae), Labcorp); PubMed 16415040 (cited by Labcorp Genetics (formerly Invitae), Labcorp).

NM_002485.5(NBN):c.1940del (p.Ser647fs)

Gene: NBN (nibrin; minus strand). Cytogenetic location: 8q21.3.
Variant type: Deletion.
Coding change: c.1940del on transcript NM_002485.5 (MANE Select); coding-DNA position 1940, one base deleted (G; older notation c.1940delG).
Protein change: p.Ser647fs; shifts the reading frame from serine 647.
Molecular consequence: frameshift variant.
Genome position (GRCh38, 1-based): chr8:89,946,270, C deleted on the plus strand (G on the coding strand, the reverse complement: NBN is on the minus strand). VCF-style (leftmost placement, unchanged base first): chr8-89946269-AC-A. GRCh37 (hg19) VCF-style: chr8-90958497-AC-A.
Other names: c.1940delG (NM_002485.4, NM_002485.5); c.1694del, p.Ser565fs (NM_001024688.3); short protein forms S565fs, S647fs.
Identifiers: ClinVar variation 480040 (VCV000480040.9), dbSNP rs1554556587, ClinGen allele CA658657784.
Genomic context (GRCh38, chr8:89,946,269, plus strand): 5'-AGAGTTTTTAATCACCAGTGATCTAAATTCAGTCAATAACAGCTTTTTTGGAAGCATCTC[AC>A]TATCATCCTGAAGTTTGTCATTGTTCTTAAATGGGGTTAAGATGGATAGGTAAGAAAGAG-3'